The following is an entry in ClinVar:

NM_133459.4(CCBE1):c.654+4C>T

Gene: CCBE1 (collagen and calcium binding EGF domains 1; minus strand). Cytogenetic location: 18q21.32.
Variant type: single nucleotide variant.
Coding change: c.654+4C>T on transcript NM_133459.4 (MANE Select); 4 bases into the intron after coding-DNA position 654, C replaced by T.
Molecular consequence: intron variant.
Genome position (GRCh38, 1-based): chr18:59,454,847, G>A on the plus strand (C>T on the coding strand, the complement: CCBE1 is on the minus strand). VCF-style: chr18-59454847-G-A. GRCh37 (hg19) VCF-style: chr18-57122079-G-A.
Identifiers: ClinVar variation 1056816 (VCV001056816.4), dbSNP rs770958531, ClinGen allele CA8980397.

ClinVar aggregate classification (germline): Uncertain significance (1 of 4 stars; one submission).

Allele frequency attached by ClinVar (database versions not stated): ExAC 0.00002.
gnomAD v4.1: 76 of 1,613,146 alleles (0.0047%); highest among the groups gnomAD compares: Non-Finnish European, 0.006%; no homozygotes.

Submission:

Labcorp Genetics (formerly Invitae), Labcorp
Classification: Uncertain significance. Last evaluated: 2022-07-25. Review status: criteria provided, single submitter. Criteria: Invitae Variant Classification Sherloc (09022015). Collection method: clinical testing. Allele origin: germline.
Comment: This sequence change falls in intron 6 of the CCBE1 gene. It does not directly change the encoded amino acid sequence of the CCBE1 protein. It affects a nucleotide within the consensus splice site. This variant is present in population databases (rs770958531, gnomAD 0.01%). This variant has not been reported in the literature in individuals affected with CCBE1-related conditions. ClinVar contains an entry for this variant (Variation ID: 1056816). Variants that disrupt the consensus splice site are a relatively common cause of aberrant splicing (PMID: 17576681, 9536098). Algorithms developed to predict the effect of sequence changes on RNA splicing suggest that this variant is not likely to affect RNA splicing. In summary, the available evidence is currently insufficient to determine the role of this variant in disease. Therefore, it has been classified as a Variant of Uncertain Significance.

Literature cited by the submitters: PubMed 17576681; PubMed 9536098.